The following is an entry in ClinVar:

ClinVar aggregate classification (germline): Uncertain significance. Review status: criteria provided, multiple submitters, no conflicts (2 of 4 stars). 2 submissions from 2 submitters: Uncertain significance (2). Last evaluated 2024-02-28.

Conditions:
Infantile-onset X-linked spinal muscular atrophy. Also called: SPINAL MUSCULAR ATROPHY, X-LINKED LETHAL INFANTILE; AMC, DISTAL, X-LINKED; ARTHROGRYPOSIS, X-LINKED, TYPE I; Spinal Muscular Atrophy, X-Linked Infantile; Spinal muscular atrophy, X-linked 2. Identifiers: Orphanet 1145, MedGen C1844934, MONDO:0010532, OMIM 301830.

gnomAD v4.1: 7 of 1,204,974 alleles (0.00058%); highest among the groups gnomAD compares: Non-Finnish European, 0.00078%; no homozygotes.

Submissions (2):

Women's Health and Genetics/Laboratory Corporation of America, LabCorp
Classification: Uncertain significance. Last evaluated: 2024-02-28. Review status: criteria provided, single submitter. Criteria: LabCorp Variant Classification Summary - May 2015. Collection method: clinical testing. Allele origin: germline.
Comment: Variant summary: UBA1 c.1630C>T (p.Arg544Trp) results in a non-conservative amino acid change located in the THIF-type NAD/FAD binding fold domain (IPR000594) of the encoded protein sequence. Four of five in-silico tools predict a damaging effect of the variant on protein function. The variant was absent in 165785 control chromosomes. The available data on variant occurrences in the general population are insufficient to allow any conclusion about variant significance. To our knowledge, no occurrence of c.1630C>T in individuals affected with UBA1-Related Disorders and no experimental evidence demonstrating its impact on protein function have been reported. ClinVar contains an entry for this variant (Variation ID: 931743). Based on the evidence outlined above, the variant was classified as uncertain significance.

Centre for Mendelian Genomics, University Medical Centre Ljubljana
Classification: Uncertain significance for Infantile-onset X-linked spinal muscular atrophy. Last evaluated: 2019-09-06. Review status: criteria provided, single submitter. Criteria: ACMG Guidelines, 2015. Collection method: clinical testing. Allele origin: unknown. Affected: yes.
Comment: This variant was classified as: Uncertain significance. The available evidence on this variant's pathogenicity is insufficient or conflicting. The following ACMG criteria were applied in classifying this variant: PM2,PP3.

NM_003334.4(UBA1):c.1630C>T (p.Arg544Trp)

Gene: UBA1 (ubiquitin like modifier activating enzyme 1; plus strand). Cytogenetic location: Xp11.3.
Variant type: single nucleotide variant.
Coding change: c.1630C>T on transcript NM_003334.4 (MANE Select); coding-DNA position 1630, C replaced by T.
Protein change: p.Arg544Trp; replaces arginine 544 with tryptophan.
Molecular consequence: missense variant.
Genome position (GRCh38, 1-based): chrX:47,206,002, C>T. VCF-style: chrX-47206002-C-T. GRCh37 (hg19) VCF-style: chrX-47065401-C-T.
Other names: c.1630C>T, p.Arg544Trp (NM_153280.3); short protein forms R544W.
Identifiers: ClinVar variation 931743 (VCV000931743.5), dbSNP rs1936658933, ClinGen allele CA412801353.